The following is an entry in ClinVar:

ClinVar aggregate classification (germline): Conflicting classifications of pathogenicity. Review status: criteria provided, conflicting classifications (1 of 4 stars). 4 submissions from 4 submitters: Uncertain significance (1); Likely benign (3). Last evaluated 2025-08-24.

Conditions:
Cardiovascular phenotype. Identifiers: MedGen CN230736.
Myofibrillar myopathy 4. Also called: Zaspopathy (type). Identifiers: Orphanet 98912, MedGen C4721886, MONDO:0012277, OMIM 609452.

Allele frequency attached by ClinVar (database versions not stated): TOPMed 0.00002; ExAC 0.00003; gnomAD 0.00004 and 0.00005; gnomAD exomes 0.00006.
gnomAD v4.1: 142 of 1,612,142 alleles (0.0088%); highest among the groups gnomAD compares: Non-Finnish European, 0.01%; no homozygotes.

Submissions (4):

Labcorp Genetics (formerly Invitae), Labcorp
Classification: Uncertain significance for Myofibrillar myopathy 4. Last evaluated: 2025-08-24. Review status: criteria provided, single submitter. Criteria: Invitae Variant Classification Sherloc (09022015). Collection method: clinical testing. Allele origin: germline.
Comment: The LDB3 gene has multiple clinically relevant transcripts. This variant occurs in alternate transcript NM_007078.3, and corresponds to NM_001080116.1:c.321+1364C>T in the primary transcript. This sequence change replaces proline, which is neutral and non-polar, with leucine, which is neutral and non-polar, at codon 136 of the LDB3 protein (p.Pro136Leu). This variant is present in population databases (rs772887402, gnomAD 0.02%). This variant has not been reported in the literature in individuals affected with LDB3-related conditions. ClinVar contains an entry for this variant (Variation ID: 201838). Experimental studies and prediction algorithms are not available or were not evaluated, and the functional significance of this variant is currently unknown. Algorithms developed to predict the effect of sequence changes on RNA splicing suggest that this variant is not likely to affect RNA splicing. In summary, the available evidence is currently insufficient to determine the role of this variant in disease. Therefore, it has been classified as a Variant of Uncertain Significance.

Blueprint Genetics
Classification: Likely benign. Last evaluated: 2023-10-20. Review status: criteria provided, single submitter. Criteria: ACMG Guidelines, 2015. Collection method: clinical testing. Allele origin: germline.

Ambry Genetics
Classification: Likely benign for Cardiovascular phenotype. Last evaluated: 2021-03-31. Review status: criteria provided, single submitter. Criteria: Ambry Variant Classification Scheme 2023. Collection method: clinical testing. Allele origin: germline.

GeneDx
Classification: Likely benign. Last evaluated: 2013-11-27. Review status: criteria provided, single submitter. Criteria: GeneDx Variant Classification (06012015). Collection method: clinical testing. Allele origin: germline. Affected: yes.
Comment: This variant is considered likely benign or benign based on one or more of the following criteria: it is a conservative change, it occurs at a poorly conserved position in the protein, it is predicted to be benign by multiple in silico algorithms, and/or has population frequency not consistent with disease.

NM_007078.3(LDB3):c.407C>T (p.Pro136Leu)

Gene: LDB3 (LIM domain binding 3; plus strand). Cytogenetic location: 10q23.2.
Variant type: single nucleotide variant.
Coding change: c.407C>T on transcript NM_007078.3 (MANE Select); coding-DNA position 407, C replaced by T.
Protein change: p.Pro136Leu; replaces proline 136 with leucine.
Molecular consequence: missense variant. On other transcripts: intron variant (5).
Genome position (GRCh38, 1-based): chr10:86,681,521, C>T. VCF-style: chr10-86681521-C-T. GRCh37 (hg19) VCF-style: chr10-88441278-C-T.
Other names: p.P136L:CCG>CTG; c.407C>T, p.Pro136Leu (NM_001080115.2, NM_001171610.2, NM_001171611.2 and 3 more transcripts); c.321+1364C>T (NM_001368068.1, NM_001368066.1, NM_001080114.2 and 2 more transcripts); short protein forms P136L.
Identifiers: ClinVar variation 201838 (VCV000201838.13), dbSNP rs772887402, ClinGen allele CA308600.
Genomic context (GRCh38, chr10:86,681,521, plus strand): 5'-GCCTGGTGGCACCCAGCCCCAGCCCTGAGGCGAGGGCCAGCCCAGGCACCCCAGGCACCC[C>T]GGAGCTCAGGCCCACCTTTAGCCCTGCCTTCTCCCGGCCCTCCGCCTTCTCCTCACTCGC-3'
Protein context (NP_009009.1, residues 126-146): ARASPGTPGT[Pro136Leu]ELRPTFSPAF